The following is an entry in ClinVar:

ClinVar aggregate classification (germline): Uncertain significance (1 of 4 stars; one submission).

Conditions:
Intellectual developmental disorder, autosomal recessive 7. Also called: Intellectual disability, autosomal recessive 7. Identifiers: Orphanet 88616, MedGen C1970197, MONDO:0012615, OMIM 611093.

Submission:

Labcorp Genetics (formerly Invitae), Labcorp
Classification: Uncertain significance for Intellectual developmental disorder, autosomal recessive 7. Last evaluated: 2025-10-21. Review status: criteria provided, single submitter. Criteria: Invitae Variant Classification Sherloc (09022015). Collection method: clinical testing. Allele origin: germline.
Comment: This variant, c.99_101del, results in the deletion of 1 amino acid(s) of the TUSC3 protein (p.Leu34del), but otherwise preserves the integrity of the reading frame. The frequency data for this variant in the population databases is considered unreliable, as metrics indicate poor data quality at this position in the gnomAD database. This variant has not been reported in the literature in individuals affected with TUSC3-related conditions. Experimental studies and prediction algorithms are not available or were not evaluated, and the functional significance of this variant is currently unknown. In summary, the available evidence is currently insufficient to determine the role of this variant in disease. Therefore, it has been classified as a Variant of Uncertain Significance.

NM_006765.4(TUSC3):c.90GCT[3] (p.Leu34del)

Gene: TUSC3 (tumor suppressor candidate 3; plus strand). Cytogenetic location: 8p22.
Variant type: Microsatellite.
Coding change: c.90GCT[3] on transcript NM_006765.4 (MANE Select); three copies in a row of the 3-base unit GCT starting at c.90; the reference has four copies in a row; one copy, 3 bases deleted.
Protein change: p.Leu34del; deletes leucine 34.
Molecular consequence: inframe deletion. On other transcripts: 5 prime UTR variant (2), non-coding transcript variant (5), intron variant (4).
Genome position (GRCh38, 1-based): chr8:15,540,529-15,540,531, GCT deleted; deleting any 3 consecutive bases within chr8:15,540,518-15,540,531 gives the same sequence; the position shown is the placement nearest the transcript's 3' end. VCF-style (leftmost placement, unchanged base first): chr8-15540517-CCTG-C. GRCh37 (hg19) VCF-style: chr8-15398026-CCTG-C.
Other names: c.90GCT[3], p.Leu34del (NM_001413583.1, NM_001413682.1, NM_001413683.1 and 17 more transcripts); c.-225GCT[3] (NM_001413677.1); c.-128GCT[3] (NM_001413678.1); c.79-82562CTG[3] (NM_001413670.1); c.-31+57035CTG[3] (NM_001413672.1); c.-30-82562CTG[3] (NM_001413671.1, NM_001413669.1); short protein forms L34del.
Identifiers: ClinVar variation 4744485 (VCV004744485.1).